The following is an entry in ClinVar:

ClinVar aggregate classification (germline): Uncertain significance. Review status: criteria provided, multiple submitters, no conflicts (2 of 4 stars). 2 submissions from 2 submitters: Uncertain significance (2). Last evaluated 2025-08-28.

Conditions:
Hereditary cancer-predisposing syndrome. Also called: Hereditary Cancer Syndrome; Hereditary neoplastic syndrome; Neoplastic Syndromes, Hereditary; Tumor predisposition. Identifiers: Orphanet 140162, MedGen C0027672, MeSH D009386, MONDO:0015356.
Rhabdoid tumor predisposition syndrome 2 (RTPS2). Identifiers: Orphanet 231108, Orphanet 69077, MedGen C2750074, MONDO:0013224, OMIM 613325.

Allele frequency attached by ClinVar (database versions not stated): gnomAD exomes below 0.00001; ExAC 0.00001.
gnomAD v4.1: 1 of 1,612,468 alleles (0.000062%); highest among the groups gnomAD compares: Non-Finnish European, 0.000085%; no homozygotes.

Submissions (2):

Labcorp Genetics (formerly Invitae), Labcorp
Classification: Uncertain significance for Rhabdoid tumor predisposition syndrome 2. Last evaluated: 2025-08-28. Review status: criteria provided, single submitter. Criteria: Invitae Variant Classification Sherloc (09022015). Collection method: clinical testing. Allele origin: germline.
Comment: This sequence change replaces arginine, which is basic and polar, with tryptophan, which is neutral and slightly polar, at codon 1477 of the SMARCA4 protein (p.Arg1477Trp). The frequency data for this variant in the population databases is considered unreliable, as metrics indicate poor data quality at this position in the gnomAD database. This variant has not been reported in the literature in individuals affected with SMARCA4-related conditions. ClinVar contains an entry for this variant (Variation ID: 1740525). Invitae Evidence Modeling of protein sequence and biophysical properties (such as structural, functional, and spatial information, amino acid conservation, physicochemical variation, residue mobility, and thermodynamic stability) indicates that this missense variant is expected to disrupt SMARCA4 protein function with a positive predictive value of 95%. In summary, the available evidence is currently insufficient to determine the role of this variant in disease. Therefore, it has been classified as a Variant of Uncertain Significance.

Ambry Genetics
Classification: Uncertain significance for Hereditary cancer-predisposing syndrome. Last evaluated: 2020-03-01. Review status: criteria provided, single submitter. Criteria: Ambry Variant Classification Scheme 2023. Collection method: clinical testing. Allele origin: germline.
Comment: The p.R1477W variant (also known as c.4429C>T), located in coding exon 30 of the SMARCA4 gene, results from a C to T substitution at nucleotide position 4429. The arginine at codon 1477 is replaced by tryptophan, an amino acid with dissimilar properties. This amino acid position is highly conserved in available vertebrate species. In addition, this alteration is predicted to be tolerated by in silico analysis. Since supporting evidence is limited at this time, the clinical significance of this alteration remains unclear.

NM_003072.5(SMARCA4):c.4333C>T (p.Arg1445Trp)

Gene: SMARCA4 (SWI/SNF related BAF chromatin remodeling complex subunit ATPase 4; plus strand). Cytogenetic location: 19p13.2.
Variant type: single nucleotide variant.
Coding change: c.4333C>T on transcript NM_003072.5 (MANE Select); coding-DNA position 4333, C replaced by T.
Protein change: p.Arg1445Trp; replaces arginine 1445 with tryptophan.
Molecular consequence: missense variant. On other transcripts: non-coding transcript variant (1).
Genome position (GRCh38, 1-based): chr19:11,041,469, C>T. VCF-style: chr19-11041469-C-T. GRCh37 (hg19) VCF-style: chr19-11152145-C-T.
Other names: c.4333C>T, p.Arg1445Trp (NM_001128844.3); c.4243C>T, p.Arg1415Trp (NM_001128845.2, NM_001128846.2); c.4234C>T, p.Arg1412Trp (NM_001128847.4, NM_001128848.2, NM_001374457.1); c.4429C>T, p.Arg1477Trp (NM_001128849.3, NM_001387283.1); c.4330C>T, p.Arg1444Trp (NM_001411150.1); short protein forms R1477W, R1412W, R1415W, R1444W, R1445W.
Identifiers: ClinVar variation 1740525 (VCV001740525.5), dbSNP rs775399739, ClinGen allele CA9204704.